The following is an entry in ClinVar:

ClinVar aggregate classification (germline): Pathogenic. Review status: criteria provided, single submitter (1 of 4 stars). 3 submissions from 3 submitters: Pathogenic (1). 2 of the submissions do not count toward it. Last evaluated 2019-02-18.

Conditions:
Familial cancer of breast. Also called: hereditary breast carcinoma; BREAST CANCER, FAMILIAL; Hereditary breast cancer. Identifiers: Orphanet 227535, MedGen C0346153, MONDO:0016419, OMIM 114480. Disease mechanism: loss of function.
Gastric cancer. Also called: Stomach cancer; Malignant tumor of stomach. Identifiers: MedGen C0024623, MeSH D013274, MONDO:0001056, OMIM 613659, HP:0012126.

Submissions (3):

Institute of Human Genetics, University of Leipzig Medical Center
Classification: Pathogenic for Familial cancer of breast. Last evaluated: 2019-02-18. Review status: criteria provided, single submitter. Criteria: ACMG Guidelines, 2015. Collection method: clinical testing. Allele origin: germline. Affected: yes. Observed: 1 variant allele.

Laboratory for Genotyping Development, RIKEN
Classification: Pathogenic for Gastric cancer. Last evaluated: 2021-07-01. Review status: no assertion criteria provided. Collection method: research. Allele origin: germline. Not counted in ClinVar's aggregate classification.

Leiden Open Variation Database
Classification: Pathogenic. Last evaluated: 2020-02-28. Review status: no assertion criteria provided. Collection method: curation. Allele origin: germline. Affected: yes. Not counted in ClinVar's aggregate classification.
Comment: Curators: Marc Tischkowitz, Arleen D. Auerbach. Submitter to LOVD: Yukihide Momozawa.

Literature cited by the submitters: PubMed 36988593 (cited by Laboratory for Genotyping Development, RIKEN); PubMed 30287823 (cited by Leiden Open Variation Database).

NM_024675.4(PALB2):c.2235del (p.Ala746fs)

Gene: PALB2 (partner and localizer of BRCA2; minus strand). Cytogenetic location: 16p12.2.
Variant type: Deletion.
Coding change: c.2235del on transcript NM_024675.4 (MANE Select); coding-DNA position 2235, one base deleted (A; older notation c.2235delA).
Protein change: p.Ala746fs; shifts the reading frame from alanine 746.
Molecular consequence: frameshift variant.
Genome position (GRCh38, 1-based): chr16:23,629,919, T deleted on the plus strand (A on the coding strand, the reverse complement: PALB2 is on the minus strand); the first of 5 consecutive T bases (chr16:23,629,919-23,629,923); deleting any one gives the same sequence. VCF-style (leftmost placement, unchanged base first): chr16-23629918-CT-C. GRCh37 (hg19) VCF-style: chr16-23641239-CT-C.
Other names: short protein forms A746fs.
Identifiers: ClinVar variation 830161 (VCV000830161.25), dbSNP rs1966858562, ClinGen allele CA916081839.